The following is an entry in ClinVar:

NM_032119.4(ADGRV1):c.4851T>C (p.Thr1617=)

Gene: ADGRV1 (adhesion G protein-coupled receptor V1; plus strand). Cytogenetic location: 5q14.3.
Variant type: single nucleotide variant.
Coding change: c.4851T>C on transcript NM_032119.4 (MANE Select); coding-DNA position 4851, T replaced by C.
Protein change: p.Thr1617=; no amino-acid change (threonine 1617 retained).
Molecular consequence: synonymous variant. On other transcripts: non-coding transcript variant (1).
Genome position (GRCh38, 1-based): chr5:90,672,644, T>C. VCF-style: chr5-90672644-T-C. GRCh37 (hg19) VCF-style: chr5-89968461-T-C.
Identifiers: ClinVar variation 905698 (VCV000905698.14), dbSNP rs368303691, ClinGen allele CA3339420.

ClinVar aggregate classification (germline): Conflicting classifications of pathogenicity. Review status: criteria provided, conflicting classifications (1 of 4 stars). 4 submissions from 4 submitters: Uncertain significance (1); Likely benign (3). Last evaluated 2025-10-12.

Conditions:
Usher syndrome type 2C. Also called: USHER SYNDROME, TYPE IIC; Usher syndrome, type 2B. Identifiers: Orphanet 231178, Orphanet 886, MedGen C2931213, MONDO:0011558, OMIM 605472.
ADGRV1-related disorder. Also called: ADGRV1-related disorders; ADGRV1-related condition.

Allele frequency attached by ClinVar (database versions not stated): gnomAD exomes 0.00001 and 0.00004; gnomAD 0.00003 and 0.00004; ExAC 0.00006; TOPMed 0.00006; ESP Exome Variant Server 0.00017.
gnomAD v4.1: 29 of 1,613,490 alleles (0.0018%); highest among the groups gnomAD compares: Middle Eastern, 0.049%; no homozygotes.

Submissions (4):

PreventionGenetics, part of Exact Sciences
Classification: Likely benign for ADGRV1-related condition. Last evaluated: 2025-10-12. Review status: criteria provided, single submitter. Criteria: ACMG Guidelines, 2015. Collection method: clinical testing. Allele origin: germline.
Comment: This variant is classified as likely benign based on ACMG/AMP sequence variant interpretation guidelines (Richards et al. 2015 PMID: 25741868, with internal and published modifications).

Labcorp Genetics (formerly Invitae), Labcorp
Classification: Likely benign. Last evaluated: 2025-09-08. Review status: criteria provided, single submitter. Criteria: Invitae Variant Classification Sherloc (09022015). Collection method: clinical testing. Allele origin: germline.

Blueprint Genetics
Classification: Likely benign. Last evaluated: 2024-11-22. Review status: criteria provided, single submitter. Criteria: ACMG Guidelines, 2015. Collection method: clinical testing. Allele origin: germline.

Illumina Laboratory Services, Illumina
Classification: Uncertain significance for Usher syndrome type 2C. Last evaluated: 2018-03-30. Review status: criteria provided, single submitter. Criteria: ICSL Variant Classification Criteria 13 December 2019. Collection method: clinical testing. Allele origin: germline.